The following is an entry in ClinVar:

ClinVar aggregate classification (germline): Pathogenic (1 of 4 stars; one submission).

Conditions:
Duchenne muscular dystrophy (DMD). Also called: MUSCULAR DYSTROPHY, PSEUDOHYPERTROPHIC PROGRESSIVE, DUCHENNE TYPE; Duchenne Muscular Dystrophy (DMD). Identifiers: Orphanet 98896, MedGen C0013264, MONDO:0010679, OMIM 310200.

Submission:

Labcorp Genetics (formerly Invitae), Labcorp
Classification: Pathogenic for Duchenne muscular dystrophy. Last evaluated: 2021-10-28. Review status: criteria provided, single submitter. Criteria: Invitae Variant Classification Sherloc (09022015). Collection method: clinical testing. Allele origin: germline.
Comment: This variant is a gross deletion of the genomic region encompassing exon(s) 12-30 of the DMD gene. This variant would be expected to be in-frame, preserving the integrity of the reading frame. A similar copy number variant has been observed in individual(s) with Duchenne muscular dystrophy (PMID: 19937601). The region of the DMD gene that includes exon(s) 13 has been determined to be clinically significant (PMID: 18353051, 22379338, 28116794, 28610567). Therefore, deletions that encompass that region are likely to be disease-causing. For these reasons, this variant has been classified as Pathogenic.

Literature cited by the submitters: PubMed 19937601; PubMed 18353051; PubMed 22379338; PubMed 28116794; PubMed 28610567.

NC_000023.11:g.(?_32411732)_(32614473_?)del

Genes: DMD (dystrophin; minus strand), MIR3915 (microRNA 3915; minus strand). Cytogenetic location: Xp21.1.
Variant type: Deletion.
Identifiers: ClinVar variation 455834 (VCV000455834.5).